The following is an entry in ClinVar:

ClinVar aggregate classification (germline): Conflicting classifications of pathogenicity. Review status: criteria provided, conflicting classifications (1 of 4 stars). 3 submissions from 3 submitters: Likely pathogenic (1); Uncertain significance (2). Last evaluated 2025-04-15.

Conditions:
Peutz-Jeghers syndrome (PJS). Also called: POLYPOSIS, HAMARTOMATOUS INTESTINAL; POLYPS-AND-SPOTS SYNDROME; Peutz-Jeghers polyposis; Periorificial lentiginosis syndrome. Identifiers: Orphanet 2869, MedGen C0031269, MeSH D010580, MONDO:0008280, OMIM 175200.

Submissions (3):

GeneDx
Classification: Uncertain significance. Last evaluated: 2025-04-15. Review status: criteria provided, single submitter. Criteria: GeneDx Variant Classification Process June 2021. Collection method: clinical testing. Allele origin: germline. Affected: yes.
Comment: Not observed at significant frequency in large population cohorts (gnomAD); In silico analysis supports that this missense variant has a deleterious effect on protein structure/function; Has not been previously published as pathogenic or benign to our knowledge; This variant is associated with the following publications: (PMID: 32462036, 15863673, 9809980)

Labcorp Genetics (formerly Invitae), Labcorp
Classification: Likely pathogenic for Peutz-Jeghers syndrome. Last evaluated: 2023-03-03. Review status: criteria provided, single submitter. Criteria: Invitae Variant Classification Sherloc (09022015). Collection method: clinical testing. Allele origin: germline.
Comment: In summary, the currently available evidence indicates that the variant is pathogenic, but additional data are needed to prove that conclusively. Therefore, this variant has been classified as Likely Pathogenic. This variant disrupts the p.Gly251 amino acid residue in STK11. Other variant(s) that disrupt this residue have been observed in individuals with STK11-related conditions (PMID: 9809980, 32462036; Invitae), which suggests that this may be a clinically significant amino acid residue. Advanced modeling of protein sequence and biophysical properties (such as structural, functional, and spatial information, amino acid conservation, physicochemical variation, residue mobility, and thermodynamic stability) performed at Invitae indicates that this missense variant is expected to disrupt STK11 protein function. This missense change has been observed in individual(s) with STK11-related conditions (Invitae). This variant is not present in population databases (gnomAD no frequency). This sequence change replaces glycine, which is neutral and non-polar, with valine, which is neutral and non-polar, at codon 251 of the STK11 protein (p.Gly251Val).

Juno Genomics, Hangzhou Juno Genomics, Inc
Classification: Uncertain significance for Peutz-Jeghers syndrome. Review status: criteria provided, single submitter. Criteria: ACMG Guidelines, 2015. Collection method: clinical testing. Allele origin: germline. Affected: yes.
Comment: Absent from controls (or at extremely low frequency if recessive) in Genome Aggregation Database.;Multiple lines of computational evidence support a deleterious effect on the gene or gene product.;Patient's phenotype or family history is highly specific for a disease with a single genetic etiology.

Literature cited by the submitters: PubMed 9809980 (cited by Labcorp Genetics (formerly Invitae), Labcorp); PubMed 32462036 (cited by Labcorp Genetics (formerly Invitae), Labcorp).

NM_000455.5(STK11):c.752G>T (p.Gly251Val)

Gene: STK11 (serine/threonine kinase 11; plus strand). Cytogenetic location: 19p13.3.
Variant type: single nucleotide variant.
Coding change: c.752G>T on transcript NM_000455.5 (MANE Select); coding-DNA position 752, G replaced by T.
Protein change: p.Gly251Val; replaces glycine 251 with valine.
Molecular consequence: missense variant. On other transcripts: non-coding transcript variant (1).
Genome position (GRCh38, 1-based): chr19:1,221,230, G>T. VCF-style: chr19-1221230-G-T. GRCh37 (hg19) VCF-style: chr19-1221229-G-T.
Other names: c.752G>T, p.Gly251Val (NM_001407255.1); short protein forms G251V.
Identifiers: ClinVar variation 2842671 (VCV002842671.5), dbSNP rs730881977, ClinGen allele CA402950372.